The following is an entry in ClinVar:

ClinVar aggregate classification (germline): Uncertain significance (1 of 4 stars; one submission).

Allele frequency attached by ClinVar (database versions not stated): gnomAD exomes below 0.00001; ExAC 0.00001.
gnomAD v4.1: 1 of 1,610,452 alleles (0.000062%); highest among the groups gnomAD compares: South Asian, 0.0011%; no homozygotes.

Submission:

Labcorp Genetics (formerly Invitae), Labcorp
Classification: Uncertain significance. Last evaluated: 2022-12-02. Review status: criteria provided, single submitter. Criteria: Invitae Variant Classification Sherloc (09022015). Collection method: clinical testing. Allele origin: germline.
Comment: In summary, the available evidence is currently insufficient to determine the role of this variant in disease. Therefore, it has been classified as a Variant of Uncertain Significance. This sequence change replaces alanine, which is neutral and non-polar, with glycine, which is neutral and non-polar, at codon 72 of the GUCY2C protein (p.Ala72Gly). This variant is present in population databases (rs757449116, gnomAD 0.003%). This variant has not been reported in the literature in individuals affected with GUCY2C-related conditions. Algorithms developed to predict the effect of missense changes on protein structure and function (SIFT, PolyPhen-2, Align-GVGD) all suggest that this variant is likely to be tolerated.

NM_004963.4(GUCY2C):c.215C>G (p.Ala72Gly)

Genes: GUCY2C (guanylate cyclase 2C; minus strand), GUCY2C-AS1 (GUCY2C antisense RNA 1; plus strand). Cytogenetic location: 12p12.3.
Variant type: single nucleotide variant.
Coding change: c.215C>G on transcript NM_004963.4 (MANE Select); coding-DNA position 215, C replaced by G.
Protein change: p.Ala72Gly; replaces alanine 72 with glycine.
Molecular consequence: missense variant.
Genome position (GRCh38, 1-based): chr12:14,696,234, G>C on the plus strand (C>G on the coding strand, the complement: GUCY2C is on the minus strand). VCF-style: chr12-14696234-G-C. GRCh37 (hg19) VCF-style: chr12-14849168-G-C.
Other names: short protein forms A72G.
Identifiers: ClinVar variation 1935430 (VCV001935430.5), dbSNP rs757449116, ClinGen allele CA6463827.